The following is an entry in ClinVar:

ClinVar aggregate classification (germline): Pathogenic (1 of 4 stars; one submission).

Conditions:
Curry-Hall syndrome (WAD). Also called: WEYERS ACRODENTAL DYSOSTOSIS. Identifiers: Orphanet 952, MedGen C0457013, MONDO:0008673, OMIM 193530.
Ellis-van Creveld syndrome (EVC). Also called: MESOECTODERMAL DYSPLASIA; EVC-Related Ellis-van Creveld Syndrome; EVC2-Related Ellis-van Creveld Syndrome; Chondroectodermal dysplasia. Identifiers: Orphanet 289, MedGen C0013903, MONDO:0009162, OMIM 225500.

Submission:

Labcorp Genetics (formerly Invitae), Labcorp
Classification: Pathogenic for Curry-Hall syndrome; Ellis-van Creveld syndrome. Last evaluated: 2021-04-23. Review status: criteria provided, single submitter. Criteria: Invitae Variant Classification Sherloc (09022015). Collection method: clinical testing. Allele origin: germline.
Comment: This sequence change creates a premature translational stop signal (p.Gln690Argfs*11) in the EVC2 gene. It is expected to result in an absent or disrupted protein product. Loss-of-function variants in EVC2 are known to be pathogenic (PMID: 17024374, 19810119, 19876929). This variant is not present in population databases (ExAC no frequency). This variant has not been reported in the literature in individuals with EVC2-related conditions. ClinVar contains an entry for this variant (Variation ID: 949041). For these reasons, this variant has been classified as Pathogenic.

Literature cited by the submitters: PubMed 17024374; PubMed 19810119; PubMed 19876929.

NM_147127.5(EVC2):c.2069_2070del (p.Gln690fs)

Gene: EVC2 (EvC ciliary complex subunit 2; minus strand). Cytogenetic location: 4p16.2.
Variant type: Deletion.
Coding change: c.2069_2070del on transcript NM_147127.5 (MANE Select); coding-DNA positions 2069 to 2070, 2 bases deleted (AG; older notation c.2069_2070delAG).
Protein change: p.Gln690fs; shifts the reading frame from glutamine 690.
Molecular consequence: frameshift variant.
Genome position (GRCh38, 1-based): chr4:5,622,968-5,622,969, CT deleted on the plus strand (AG on the coding strand, the reverse complement: EVC2 is on the minus strand). VCF-style (leftmost placement, unchanged base first): chr4-5622967-CCT-C. GRCh37 (hg19) VCF-style: chr4-5624694-CCT-C.
Other names: c.1829_1830del, p.Gln610fs (NM_001166136.2); short protein forms Q610fs, Q690fs.
Identifiers: ClinVar variation 949041 (VCV000949041.8), dbSNP rs1715829134, ClinGen allele CA1139658423.